The following is an entry in ClinVar:

NM_023067.4(FOXL2):c.388C>G (p.Leu130Val)

Gene: FOXL2 (forkhead box L2; minus strand). Cytogenetic location: 3q22.3.
Variant type: single nucleotide variant.
Coding change: c.388C>G on transcript NM_023067.4 (MANE Select); coding-DNA position 388, C replaced by G.
Protein change: p.Leu130Val; replaces leucine 130 with valine.
Molecular consequence: missense variant.
Genome position (GRCh38, 1-based): chr3:138,946,335, G>C on the plus strand (C>G on the coding strand, the complement: FOXL2 is on the minus strand). VCF-style: chr3-138946335-G-C. GRCh37 (hg19) VCF-style: chr3-138665177-G-C.
Other names: short protein forms L130V.
Identifiers: ClinVar variation 2499735 (VCV002499735.1), dbSNP rs2473814437, ClinGen allele CA354706445.

ClinVar aggregate classification (germline): Uncertain significance (1 of 4 stars; one submission).

Submission:

GeneDx
Classification: Uncertain significance. Last evaluated: 2022-10-20. Review status: criteria provided, single submitter. Criteria: GeneDx Variant Classification Process June 2021. Collection method: clinical testing. Allele origin: germline. Affected: yes.
Comment: Not observed at significant frequency in large population cohorts (gnomAD); In silico analysis supports that this missense variant has a deleterious effect on protein structure/function; Has not been previously published as pathogenic or benign to our knowledge